The following is an entry in ClinVar:

NM_001008537.3(NEXMIF):c.553_555dup (p.Gln185_Cys186insGln)

Gene: NEXMIF (neurite extension and migration factor; minus strand). Cytogenetic location: Xq13.3.
Variant type: Duplication.
Coding change: c.553_555dup on transcript NM_001008537.3 (MANE Select); coding-DNA positions 553 to 555, 3 bases duplicated (CAG; older notation c.553_555dupCAG).
Protein change: p.Gln185_Cys186insGln.
Molecular consequence: inframe insertion.
Genome position (GRCh38, 1-based): chrX:74,744,002-74,744,004, CTG duplicated on the plus strand (CAG on the coding strand, the reverse complement: NEXMIF is on the minus strand). VCF-style (leftmost placement, unchanged base first): chrX-74744001-A-ACTG. GRCh37 (hg19) VCF-style: chrX-73963836-A-ACTG.
Other names: c.553_555dup (NM_001008537.1).
Identifiers: ClinVar variation 1800336 (VCV001800336.5), dbSNP rs761358213, ClinGen allele CA10455198.

ClinVar aggregate classification (germline): Uncertain significance. Review status: criteria provided, multiple submitters, no conflicts (2 of 4 stars). 3 submissions from 3 submitters: Uncertain significance (3). Last evaluated 2025-07-25.

Allele frequency attached by ClinVar (database versions not stated): gnomAD exomes below 0.00001; TOPMed below 0.00001; ExAC 0.00001; gnomAD 0.00001.

Submissions (3):

GeneDx
Classification: Uncertain significance. Last evaluated: 2025-07-25. Review status: criteria provided, single submitter. Criteria: GeneDx Variant Classification Process June 2021. Collection method: clinical testing. Allele origin: germline. Affected: yes.
Comment: In-frame duplication of 1 amino acid(s) in a non-repeat region; Has not been previously published as pathogenic or benign to our knowledge

Labcorp Genetics (formerly Invitae), Labcorp
Classification: Uncertain significance. Last evaluated: 2024-11-25. Review status: criteria provided, single submitter. Criteria: Invitae Variant Classification Sherloc (09022015). Collection method: clinical testing. Allele origin: germline.
Comment: This variant, c.553_555dup, results in the insertion of 1 amino acid(s) of the NEXMIF protein (p.Gln185dup), but otherwise preserves the integrity of the reading frame. This variant is not present in population databases (gnomAD no frequency). This variant has not been reported in the literature in individuals affected with NEXMIF-related conditions. ClinVar contains an entry for this variant (Variation ID: 1800336). In summary, the available evidence is currently insufficient to determine the role of this variant in disease. Therefore, it has been classified as a Variant of Uncertain Significance.

Ambry Genetics
Classification: Uncertain significance. Last evaluated: 2018-02-21. Review status: criteria provided, single submitter. Criteria: Ambry Variant Classification Scheme 2023. Collection method: clinical testing. Allele origin: germline.
Comment: The c.553_555dupCAG variant (also known as p.Q185dup), located in coding exon 2 of the KIAA2022 gene. This variant results from an in-frame duplication of CAG at nucleotide positions 553 to 555. This results in the duplication of a glutamine residue at codon 185. These nucleotide positions are not well conserved in available vertebrate species. Since supporting evidence is limited at this time, the clinical significance of this alteration remains unclear.